The following is an entry in ClinVar:

NM_001904.4(CTNNB1):c.38C>T (p.Ala13Val)

Genes: CTNNB1 (catenin beta 1; plus strand), LOC126806658 (BRD4-independent group 4 enhancer GRCh37_chr3:41265899-41267098; plus strand). Cytogenetic location: 3p22.1.
Variant type: single nucleotide variant.
Coding change: c.38C>T on transcript NM_001904.4 (MANE Select); coding-DNA position 38, C replaced by T.
Protein change: p.Ala13Val; replaces alanine 13 with valine.
Molecular consequence: missense variant.
Genome position (GRCh38, 1-based): chr3:41,224,550, C>T. VCF-style: chr3-41224550-C-T. GRCh37 (hg19) VCF-style: chr3-41266041-C-T.
Other names: c.38C>T, p.Ala13Val (NM_001098209.2, NM_001098210.2, NM_001438871.1 and 4 more transcripts); c.17C>T, p.Ala6Val (NM_001330729.2); short protein forms A6V, A13V.
Identifiers: ClinVar variation 4710894 (VCV004710894.2).

ClinVar aggregate classification (germline): Uncertain significance. Review status: criteria provided, multiple submitters, no conflicts (2 of 4 stars). 2 submissions from 2 submitters: Uncertain significance (2). Last evaluated 2025-11-17.

Submissions (2):

Labcorp Genetics (formerly Invitae), Labcorp
Classification: Uncertain significance. Last evaluated: 2025-11-17. Review status: criteria provided, single submitter. Criteria: Invitae Variant Classification Sherloc (09022015). Collection method: clinical testing. Allele origin: germline.
Comment: This sequence change replaces alanine, which is neutral and non-polar, with valine, which is neutral and non-polar, at codon 13 of the CTNNB1 protein (p.Ala13Val). This variant is not present in population databases (gnomAD no frequency). This variant has not been reported in the literature in individuals affected with CTNNB1-related conditions. An algorithm developed to predict the effect of missense changes on protein structure and function (PolyPhen-2) suggests that this variant is likely to be tolerated. In summary, the available evidence is currently insufficient to determine the role of this variant in disease. Therefore, it has been classified as a Variant of Uncertain Significance.

Blueprint Genetics
Classification: Uncertain significance. Last evaluated: 2019-04-10. Review status: criteria provided, single submitter. Criteria: ACMG Guidelines, 2015. Collection method: clinical testing. Allele origin: germline.